The following is an entry in ClinVar:

ClinVar aggregate classification (germline): Uncertain significance (1 of 4 stars; one submission).

gnomAD v4.1: 8 of 1,377,954 alleles (0.00058%); highest among the groups gnomAD compares: African/African-American, 0.011%; no homozygotes.

Submission:

GeneDx
Classification: Uncertain significance. Last evaluated: 2022-08-12. Review status: criteria provided, single submitter. Criteria: GeneDx Variant Classification Process June 2021. Collection method: clinical testing. Allele origin: germline. Affected: yes.
Comment: Not observed at significant frequency in large population cohorts (gnomAD); In silico analysis supports that this missense variant does not alter protein structure/function; Has not been previously published as pathogenic or benign to our knowledge

NM_001853.4(COL9A3):c.5C>T (p.Ala2Val)

Gene: COL9A3 (collagen type IX alpha 3 chain; plus strand). Cytogenetic location: 20q13.33.
Variant type: single nucleotide variant.
Coding change: c.5C>T on transcript NM_001853.4 (MANE Select); coding-DNA position 5, C replaced by T.
Protein change: p.Ala2Val; replaces alanine 2 with valine.
Molecular consequence: missense variant.
Genome position (GRCh38, 1-based): chr20:62,817,069, C>T. VCF-style: chr20-62817069-C-T. GRCh37 (hg19) VCF-style: chr20-61448421-C-T.
Other names: short protein forms A2V.
Identifiers: ClinVar variation 2429509 (VCV002429509.1), dbSNP rs931833174, ClinGen allele CA317318957.
Genomic context (GRCh38, chr20:62,817,069, plus strand): 5'-CCCCGCCCGCCCGCGCGCCGCCCGCCCCGACGCCGCAGCTCAGACTCCGCTCAGCCATGG[C>T]CGGGCCGCGCGCGTGCGCCCCGCTCCTGCTCCTGCTCCTGCTCGGGGAGCTTCTGGCGGC-3'
Protein context (NP_001844.3, residues 1-12): M[Ala2Val]GPRACAPLLL